The following is an entry in ClinVar:

ClinVar aggregate classification (germline): Uncertain significance (1 of 4 stars; one submission).

Conditions:
Hereditary cancer-predisposing syndrome. Also called: Neoplastic Syndromes, Hereditary; Tumor predisposition; Hereditary Cancer Syndrome; Hereditary neoplastic syndrome. Identifiers: Orphanet 140162, MedGen C0027672, MeSH D009386, MONDO:0015356.

gnomAD v4.1: 1 of 1,602,964 alleles (0.000062%); highest among the groups gnomAD compares: East Asian, 0.0022%; no homozygotes.

Submission:

Ambry Genetics
Classification: Uncertain significance for Hereditary cancer-predisposing syndrome. Last evaluated: 2024-09-13. Review status: criteria provided, single submitter. Criteria: Ambry Variant Classification Scheme 2023. Collection method: clinical testing. Allele origin: germline.
Comment: The p.L515V variant (also known as c.1543C>G), located in coding exon 12 of the POT1 gene, results from a C to G substitution at nucleotide position 1543. The leucine at codon 515 is replaced by valine, an amino acid with highly similar properties. This amino acid position is conserved. In addition, this alteration is predicted to be tolerated by in silico analysis. Based on the available evidence, the clinical significance of this variant remains unclear.

NM_015450.3(POT1):c.1543C>G (p.Leu515Val)

Gene: POT1 (protection of telomeres 1; minus strand). Cytogenetic location: 7q31.33.
Variant type: single nucleotide variant.
Coding change: c.1543C>G on transcript NM_015450.3 (MANE Select); coding-DNA position 1543, C replaced by G.
Protein change: p.Leu515Val; replaces leucine 515 with valine.
Molecular consequence: missense variant. On other transcripts: non-coding transcript variant (2).
Genome position (GRCh38, 1-based): chr7:124,829,305, G>C on the plus strand (C>G on the coding strand, the complement: POT1 is on the minus strand). VCF-style: chr7-124829305-G-C. GRCh37 (hg19) VCF-style: chr7-124469359-G-C.
Other names: c.1150C>G, p.Leu384Val (NM_001042594.2); short protein forms L515V, L384V.
Identifiers: ClinVar variation 3423127 (VCV003423127.1).